The following is an entry in ClinVar:

ClinVar aggregate classification (germline): Uncertain significance. Review status: criteria provided, multiple submitters, no conflicts (2 of 4 stars). 2 submissions from 2 submitters: Uncertain significance (2). Last evaluated 2025-08-27.

Conditions:
Oculofaciocardiodental syndrome (MCOPS2). Identifiers: Orphanet 2712, MedGen C1846265, MONDO:0010261, OMIM 300166.
Inborn genetic diseases. Identifiers: MedGen C0950123, MeSH D030342.

gnomAD v4.1: 3 of 1,205,076 alleles (0.00025%); highest among the groups gnomAD compares: Non-Finnish European, 0.00034%; no homozygotes.

Submissions (2):

Ambry Genetics
Classification: Uncertain significance for Inborn genetic diseases. Last evaluated: 2025-08-27. Review status: criteria provided, single submitter. Criteria: Ambry Variant Classification Scheme 2023. Collection method: clinical testing. Allele origin: germline.

Labcorp Genetics (formerly Invitae), Labcorp
Classification: Uncertain significance for Oculofaciocardiodental syndrome. Last evaluated: 2025-01-18. Review status: criteria provided, single submitter. Criteria: Invitae Variant Classification Sherloc (09022015). Collection method: clinical testing. Allele origin: germline.
Comment: This sequence change replaces aspartic acid, which is acidic and polar, with asparagine, which is neutral and polar, at codon 1557 of the BCOR protein (p.Asp1557Asn). This variant is present in population databases (no rsID available, gnomAD 0.001%). This variant has not been reported in the literature in individuals affected with BCOR-related conditions. Invitae Evidence Modeling of protein sequence and biophysical properties (such as structural, functional, and spatial information, amino acid conservation, physicochemical variation, residue mobility, and thermodynamic stability) indicates that this missense variant is not expected to disrupt BCOR protein function with a negative predictive value of 80%. In summary, the available evidence is currently insufficient to determine the role of this variant in disease. Therefore, it has been classified as a Variant of Uncertain Significance.

NM_001123385.2(BCOR):c.4771G>A (p.Asp1591Asn)

Gene: BCOR (BCL6 corepressor; minus strand). Cytogenetic location: Xp11.4.
Variant type: single nucleotide variant.
Coding change: c.4771G>A on transcript NM_001123385.2 (MANE Select); coding-DNA position 4771, G replaced by A.
Protein change: p.Asp1591Asn; replaces aspartic acid 1591 with asparagine.
Molecular consequence: missense variant.
Genome position (GRCh38, 1-based): chrX:40,054,304, C>T on the plus strand (G>A on the coding strand, the complement: BCOR is on the minus strand). VCF-style: chrX-40054304-C-T. GRCh37 (hg19) VCF-style: chrX-39913557-C-T.
Other names: c.4669G>A, p.Asp1557Asn (NM_001123383.2, NM_017745.6); c.4615G>A, p.Asp1539Asn (NM_001123384.2); short protein forms D1557N, D1591N, D1539N.
Identifiers: ClinVar variation 3663210 (VCV003663210.3).